The following is an entry in ClinVar:

ClinVar aggregate classification (germline): Conflicting classifications of pathogenicity. Review status: criteria provided, conflicting classifications (1 of 4 stars). 5 submissions from 5 submitters: Uncertain significance (4); Likely benign (1). Last evaluated 2026-09-01.

Conditions:
Inborn genetic diseases. Identifiers: MedGen C0950123, MeSH D030342.
Spastic paraplegia. Identifiers: MedGen C0037772, HP:0001258.

Allele frequency attached by ClinVar (database versions not stated): gnomAD 0.00005; ExAC 0.00007; TOPMed 0.00003; gnomAD exomes 0.00004.
gnomAD v4.1: 71 of 1,613,646 alleles (0.0044%); highest among the groups gnomAD compares: Non-Finnish European, 0.0055%; no homozygotes.

Submissions (5):

CeGaT Center for Human Genetics Tuebingen
Classification: Uncertain significance. Last evaluated: 2026-09-01. Review status: criteria provided, single submitter. Criteria: CeGaT Center For Human Genetics Tuebingen Variant Classification Criteria Version 2. Collection method: clinical testing. Allele origin: germline. Affected: yes. Observed: 1 variant allele.
Comment: SACS: PM2

GeneDx
Classification: Uncertain significance. Last evaluated: 2026-07-30. Review status: criteria provided, single submitter. Criteria: GeneDx Variant Classification Process June 2021. Collection method: clinical testing. Allele origin: germline.
Comment: Not observed at significant frequency in large population cohorts (gnomAD); In silico analysis suggests that this missense variant does not alter protein structure/function; Has not been previously published as pathogenic or benign to our knowledge

Labcorp Genetics (formerly Invitae), Labcorp
Classification: Likely benign for Spastic paraplegia. Last evaluated: 2025-11-06. Review status: criteria provided, single submitter. Criteria: Invitae Variant Classification Sherloc (09022015). Collection method: clinical testing. Allele origin: germline.

Ambry Genetics
Classification: Uncertain significance for Inborn genetic diseases. Last evaluated: 2023-04-24. Review status: criteria provided, single submitter. Criteria: Ambry Variant Classification Scheme 2023. Collection method: clinical testing. Allele origin: germline.

Women's Health and Genetics/Laboratory Corporation of America, LabCorp
Classification: Uncertain significance. Last evaluated: 2022-07-12. Review status: criteria provided, single submitter. Criteria: LabCorp Variant Classification Summary - May 2015. Collection method: clinical testing. Allele origin: germline.
Comment: Variant summary: SACS c.7163C>T (p.Thr2388Ile) results in a non-conservative amino acid change in the encoded protein sequence. Three of four in-silico tools predict a benign effect of the variant on protein function. The variant allele was found at a frequency of 6.8e-05 in 250606 control chromosomes. This frequency is not significantly higher than expected for a pathogenic variant in SACS causing Autosomal Recessive Spastic Ataxia Of Charlevoix-Saguenay (6.8e-05 vs 0.0079), allowing no conclusion about variant significance. To our knowledge, no occurrence of c.7163C>T in individuals affected with Autosomal Recessive Spastic Ataxia Of Charlevoix-Saguenay and no experimental evidence demonstrating its impact on protein function have been reported. No clinical diagnostic laboratories have submitted clinical-significance assessments for this variant to ClinVar after 2014. Based on the evidence outlined above, the variant was classified as uncertain significance.

NM_014363.6(SACS):c.7163C>T (p.Thr2388Ile)

Gene: SACS (sacsin molecular chaperone; minus strand). Cytogenetic location: 13q12.12.
Variant type: single nucleotide variant.
Coding change: c.7163C>T on transcript NM_014363.6 (MANE Select); coding-DNA position 7163, C replaced by T.
Protein change: p.Thr2388Ile; replaces threonine 2388 with isoleucine.
Molecular consequence: missense variant.
Genome position (GRCh38, 1-based): chr13:23,336,713, G>A on the plus strand (C>T on the coding strand, the complement: SACS is on the minus strand). VCF-style: chr13-23336713-G-A. GRCh37 (hg19) VCF-style: chr13-23910852-G-A.
Other names: c.7163C>T (NM_014363.4); c.6722C>T, p.Thr2241Ile (NM_001278055.2); short protein forms T2388I, T2241I.
Identifiers: ClinVar variation 1704567 (VCV001704567.11), dbSNP rs775621526, ClinGen allele CA6910962.